The following is an entry in ClinVar:

NM_001042492.3(NF1):c.2468G>A (p.Gly823Glu)

Gene: NF1 (neurofibromin 1; plus strand). Cytogenetic location: 17q11.2.
Variant type: single nucleotide variant.
Coding change: c.2468G>A on transcript NM_001042492.3 (MANE Select); coding-DNA position 2468, G replaced by A.
Protein change: p.Gly823Glu; replaces glycine 823 with glutamic acid.
Molecular consequence: missense variant.
Genome position (GRCh38, 1-based): chr17:31,229,083, G>A. VCF-style: chr17-31229083-G-A. GRCh37 (hg19) VCF-style: chr17-29556101-G-A.
Other names: c.2468G>A, p.Gly823Glu (NM_000267.4); short protein forms G823E.
Identifiers: ClinVar variation 404450 (VCV000404450.5), dbSNP rs1060500267, ClinGen allele CA16615177.

ClinVar aggregate classification (germline): Uncertain significance (1 of 4 stars; one submission).

Conditions:
Neurofibromatosis, type 1 (NF1). Also called: Neurofibromatosis, type I; NEUROFIBROMATOSIS, TYPE I, SOMATIC; Peripheral type neurofibromatosis; VON RECKLINGHAUSEN DISEASE. Identifiers: Orphanet 636, MedGen C0027831, MONDO:0018975, OMIM 162200. Disease mechanism: loss of function.

Allele frequency attached by ClinVar (database versions not stated): TOPMed below 0.00001.

Submission:

Labcorp Genetics (formerly Invitae), Labcorp
Classification: Uncertain significance for Neurofibromatosis, type 1. Last evaluated: 2016-07-26. Review status: criteria provided, single submitter. Criteria: Invitae Variant Classification Sherloc (09022015). Collection method: clinical testing. Allele origin: germline.
Comment: In summary, this variant is a novel missense change that is not predicted to affect protein function. There is no indication that it causes disease, but the available evidence is currently insufficient to prove that conclusively. Therefore, it has been classified as a Variant of Uncertain Significance. Algorithms developed to predict the effect of missense changes on protein structure and function (SIFT, PolyPhen-2, Align-GVGD) all suggest that this variant is likely to be tolerated, but these predictions have not been confirmed by published functional studies. This variant is not present in population databases (ExAC no frequency) and has not been reported in the literature in individuals with an NF1-related disease. This sequence change replaces glycine with glutamic acid at codon 823 of the NF1 protein (p.Gly823Glu). The glycine residue is moderately conserved and there is a moderate physicochemical difference between glycine and glutamic acid.